The following is an entry in ClinVar:

NM_001005242.3(PKP2):c.502T>C (p.Tyr168His)

Gene: PKP2 (plakophilin 2; minus strand). Cytogenetic location: 12p11.21.
Variant type: single nucleotide variant.
Coding change: c.502T>C on transcript NM_001005242.3 (MANE Select); coding-DNA position 502, T replaced by C.
Protein change: p.Tyr168His; replaces tyrosine 168 with histidine.
Molecular consequence: missense variant.
Genome position (GRCh38, 1-based): chr12:32,878,378, A>G on the plus strand (T>C on the coding strand, the complement: PKP2 is on the minus strand). VCF-style: chr12-32878378-A-G. GRCh37 (hg19) VCF-style: chr12-33031312-A-G.
Other names: c.502T>C, p.Tyr168His (NM_004572.4); short protein forms Y168H.
Identifiers: ClinVar variation 931867 (VCV000931867.4), dbSNP rs1956954455, ClinGen allele CA384364884.

ClinVar aggregate classification (germline): Conflicting classifications of pathogenicity. Review status: criteria provided, conflicting classifications (1 of 4 stars). 2 submissions from 2 submitters: Uncertain significance (1); Likely benign (1). Last evaluated 2023-10-23.

Conditions:
Arrhythmogenic right ventricular cardiomyopathy (ARVD). Also called: Arrhythmogenic cardiomyopathy; Cardiomyopathy, ARVC; Arrhythmogenic right ventricular dysplasia; Arrhythmogenic Right Ventricular Cardiomyopathy (ARVC). Identifiers: Orphanet 247, MedGen C0349788, MeSH D019571, MONDO:0016587. Disease mechanism: loss of function. Inheritance: Various modes of inheritance.
Arrhythmogenic right ventricular dysplasia 9 (ARVD9). Also called: Arrhythmogenic Right Ventricular Dysplasia/Cardiomyopathy 9; ARRHYTHMOGENIC RIGHT VENTRICULAR DYSPLASIA, FAMILIAL, 9. Identifiers: MedGen C1836906, MONDO:0012180, OMIM 609040.

Submissions (2):

All of Us Research Program, National Institutes of Health
Classification: Uncertain significance for Arrhythmogenic right ventricular cardiomyopathy. Last evaluated: 2023-10-23. Review status: criteria provided, single submitter. Criteria: ACMG Guidelines, 2015. Collection method: clinical testing. Allele origin: germline. Inheritance: Autosomal dominant inheritance. Observed: 1 variant allele, 1 heterozygote.
Comment: This missense variant replaces tyrosine with histidine at codon 168 of the PKP2 protein. Computational prediction suggests that this variant may not impact protein structure and function (internally defined REVEL score threshold <= 0.5, PMID: 27666373). To our knowledge, functional studies have not been reported for this variant. This variant has not been reported in individuals affected with PKP2-related disorders in the literature. This variant has not been identified in the general population by the Genome Aggregation Database (gnomAD). The available evidence is insufficient to determine the role of this variant in disease conclusively. Therefore, this variant is classified as a Variant of Uncertain Significance.

This study involves interpretation of variants in research participants for the purpose of population health screening. Participant phenotype was not available at the time of variant classification. Additional details can be found in publication PMID: 35346344, PMCID: PMC8962531

Centre for Mendelian Genomics, University Medical Centre Ljubljana
Classification: Likely benign for Arrhythmogenic right ventricular dysplasia 9. Last evaluated: 2020-01-30. Review status: criteria provided, single submitter. Criteria: ACMG Guidelines, 2015. Collection method: clinical testing. Allele origin: unknown. Affected: yes.
Comment: This variant was classified as: Likely benign. The following ACMG criteria were applied in classifying this variant: PM2,BP1,BP4.